The following is an entry in ClinVar:

ClinVar aggregate classification (germline): Uncertain significance (1 of 4 stars; one submission).

Submissions (8):

Labcorp Genetics (formerly Invitae), Labcorp
Classification: Uncertain significance. Last evaluated: 2025-03-18. Review status: criteria provided, single submitter. Criteria: Invitae Variant Classification Sherloc (09022015). Collection method: clinical testing. Allele origin: germline.
Comment: This sequence change affects an acceptor splice site in intron 17 of the PHF21A gene. While this variant is not anticipated to result in nonsense mediated decay, it likely alters RNA splicing and results in a disrupted protein product. This variant is not present in population databases (gnomAD no frequency). This variant has not been reported in the literature in individuals affected with PHF21A-related conditions. Variants that disrupt the consensus splice site are a relatively common cause of aberrant splicing (PMID: 17576681, 9536098). Algorithms developed to predict the effect of sequence changes on RNA splicing suggest that this variant may disrupt the consensus splice site. In summary, the available evidence is currently insufficient to determine the role of this variant in disease. Therefore, it has been classified as a Variant of Uncertain Significance.

Dr. Peter K. Rogan Lab, Western University
No classification provided (evidence only). Condition: Ovarian serous cystadenocarcinoma. Review status: no classification provided. Collection method: in vitro. Allele origin: not applicable. Functional consequence: retained intron. Not counted in ClinVar's aggregate classification.

Dr. Peter K. Rogan Lab, Western University
No classification provided (evidence only). Condition: Ovarian serous cystadenocarcinoma. Review status: no classification provided. Collection method: in vitro. Allele origin: not applicable. Functional consequence: retained intron. Not counted in ClinVar's aggregate classification.

Dr. Peter K. Rogan Lab, Western University
No classification provided (evidence only). Condition: Ovarian serous cystadenocarcinoma. Review status: no classification provided. Collection method: in vitro. Allele origin: not applicable. Functional consequence: retained intron. Not counted in ClinVar's aggregate classification.

Dr. Peter K. Rogan Lab, Western University
No classification provided (evidence only). Condition: Ovarian serous cystadenocarcinoma. Review status: no classification provided. Collection method: in vitro. Allele origin: not applicable. Functional consequence: retained intron. Not counted in ClinVar's aggregate classification.

Dr. Peter K. Rogan Lab, Western University
No classification provided (evidence only). Condition: Ovarian serous cystadenocarcinoma. Review status: no classification provided. Collection method: in vitro. Allele origin: not applicable. Functional consequence: retained intron. Not counted in ClinVar's aggregate classification.

Dr. Peter K. Rogan Lab, Western University
No classification provided (evidence only). Condition: Ovarian serous cystadenocarcinoma. Review status: no classification provided. Collection method: in vitro. Allele origin: not applicable. Functional consequence: retained intron. Not counted in ClinVar's aggregate classification.

Dr. Peter K. Rogan Lab, Western University
No classification provided (evidence only). Condition: Ovarian serous cystadenocarcinoma. Review status: no classification provided. Collection method: in vitro. Allele origin: not applicable. Functional consequence: retained intron. Not counted in ClinVar's aggregate classification.

Literature cited by the submitters: PubMed 17576681 (cited by Labcorp Genetics (formerly Invitae), Labcorp); PubMed 9536098 (cited by Labcorp Genetics (formerly Invitae), Labcorp).

NM_001352027.3(PHF21A):c.1789-1G>A

Gene: PHF21A (PHD finger protein 21A; minus strand). Cytogenetic location: 11p11.2.
Variant type: single nucleotide variant.
Coding change: c.1789-1G>A on transcript NM_001352027.3 (MANE Select); the canonical splice acceptor site of the intron before coding-DNA position 1789, G replaced by A.
Molecular consequence: splice acceptor variant.
Genome position (GRCh38, 1-based): chr11:45,934,226, C>T on the plus strand (G>A on the coding strand, the complement: PHF21A is on the minus strand). VCF-style: chr11-45934226-C-T. GRCh37 (hg19) VCF-style: chr11-45955777-C-T.
Other names: NC_000011.9:g.45955777C>T; c.1645-1G>A (NM_001352030.3, NM_001352031.3, NM_001352032.3); c.1630-1G>A (NM_001441171.1); c.1786-1G>A (NM_001101802.3); c.1789-1G>A (NM_001352026.3, NM_001352025.3, NM_001441170.1); c.1648-1G>A (NM_016621.5, NM_001352028.1, NM_001352029.1); c.1810-1G>A (NM_001441167.1, NM_001441168.1); c.1537-1G>A (NM_001441172.1); and 1 more.
Identifiers: ClinVar variation 4371745 (VCV004371745.2).